The following is an entry in ClinVar:

ClinVar aggregate classification (germline): Uncertain significance. Review status: criteria provided, multiple submitters, no conflicts (2 of 4 stars). 2 submissions from 2 submitters: Uncertain significance (2). Last evaluated 2025-06-02.

Conditions:
Hereditary cancer-predisposing syndrome. Also called: Neoplastic Syndromes, Hereditary; Tumor predisposition; Hereditary Cancer Syndrome; Hereditary neoplastic syndrome. Identifiers: Orphanet 140162, MedGen C0027672, MeSH D009386, MONDO:0015356.
Bloom syndrome (BLM). Also called: Bloom-Torre-Machacek syndrome. Identifiers: Orphanet 125, MedGen C0005859, MONDO:0008876, OMIM 210900.

Allele frequency attached by ClinVar (database versions not stated): gnomAD exomes below 0.00001.
gnomAD v4.1: 1 of 1,612,468 alleles (0.000062%); highest among the groups gnomAD compares: Non-Finnish European, 0.000085%; no homozygotes.

Submissions (2):

Ambry Genetics
Classification: Uncertain significance for Hereditary cancer-predisposing syndrome. Last evaluated: 2025-06-02. Review status: criteria provided, single submitter. Criteria: Ambry Variant Classification Scheme 2023. Collection method: clinical testing. Allele origin: germline.
Comment: The p.D64Y variant (also known as c.190G>T), located in coding exon 2 of the BLM gene, results from a G to T substitution at nucleotide position 190. The aspartic acid at codon 64 is replaced by tyrosine, an amino acid with highly dissimilar properties. This amino acid position is conserved. In addition, the in silico prediction for this alteration is inconclusive. Since supporting evidence is limited at this time, the clinical significance of this alteration remains unclear.

Labcorp Genetics (formerly Invitae), Labcorp
Classification: Uncertain significance for Bloom syndrome. Last evaluated: 2024-07-12. Review status: criteria provided, single submitter. Criteria: Invitae Variant Classification Sherloc (09022015). Collection method: clinical testing. Allele origin: germline.
Comment: This sequence change replaces aspartic acid, which is acidic and polar, with tyrosine, which is neutral and polar, at codon 64 of the BLM protein (p.Asp64Tyr). This variant is not present in population databases (gnomAD no frequency). This variant has not been reported in the literature in individuals affected with BLM-related conditions. ClinVar contains an entry for this variant (Variation ID: 1782488). An algorithm developed to predict the effect of missense changes on protein structure and function (PolyPhen-2) suggests that this variant is likely to be disruptive. In summary, the available evidence is currently insufficient to determine the role of this variant in disease. Therefore, it has been classified as a Variant of Uncertain Significance.

NM_000057.4(BLM):c.190G>T (p.Asp64Tyr)

Gene: BLM (BLM RecQ like helicase; plus strand). Cytogenetic location: 15q26.1.
Variant type: single nucleotide variant.
Coding change: c.190G>T on transcript NM_000057.4 (MANE Select); coding-DNA position 190, G replaced by T.
Protein change: p.Asp64Tyr; replaces aspartic acid 64 with tyrosine.
Molecular consequence: missense variant. On other transcripts: 5 prime UTR variant (1).
Genome position (GRCh38, 1-based): chr15:90,749,458, G>T. VCF-style: chr15-90749458-G-T. GRCh37 (hg19) VCF-style: chr15-91292688-G-T.
Other names: c.190G>T, p.Asp64Tyr (NM_001287246.2, NM_001287247.2); c.-1102G>T (NM_001287248.2); short protein forms D64Y.
Identifiers: ClinVar variation 1782488 (VCV001782488.6), dbSNP rs1895602796, ClinGen allele CA393839654.
Genomic context (GRCh38, chr15:90,749,458, plus strand): 5'-GATAACAATGTATCTGTAACTAATGTGTCAGTAGCAAAAACACCTGTATTAAGAAATAAA[G>T]ATGTTAATGTTACCGAAGACTTTTCCTTCAGTGAACCTCTACCCAACACCACAAATCAGC-3'
Protein context (NP_000048.1, residues 54-74): VAKTPVLRNK[Asp64Tyr]VNVTEDFSFS